The following is an entry in ClinVar:

ClinVar aggregate classification (germline): Conflicting classifications of pathogenicity. Review status: criteria provided, conflicting classifications (1 of 4 stars). 4 submissions from 4 submitters: Likely pathogenic (1); Uncertain significance (2). 1 of the submissions does not count toward it. Last evaluated 2025-07-03.

Conditions:
Autosomal recessive nonsyndromic hearing loss 2. Also called: DEAFNESS, AUTOSOMAL RECESSIVE 2; NEUROSENSORY NONSYNDROMIC RECESSIVE DEAFNESS 2. Identifiers: Orphanet 90636, MedGen C1838701, MONDO:0010807, OMIM 600060.

Allele frequency attached by ClinVar (database versions not stated): TOPMed below 0.00001; gnomAD 0.00001.
gnomAD v4.1: 21 of 1,594,538 alleles (0.0013%); highest among the groups gnomAD compares: South Asian, 0.0045%; no homozygotes.

Submissions (4):

Women's Health and Genetics/Laboratory Corporation of America, LabCorp
Classification: Uncertain significance. Last evaluated: 2025-07-03. Review status: criteria provided, single submitter. Criteria: LabCorp Variant Classification Summary - May 2015. Collection method: clinical testing. Allele origin: germline.
Comment: Variant summary: MYO7A c.1946G>A (p.Arg649Gln) results in a conservative amino acid change in the encoded protein sequence. Algorithms developed to predict the effect of missense changes on protein structure and function are either unavailable or do not agree on the potential impact of this missense change. The variant allele was found at a frequency of 3.2e-05 in 31396 control chromosomes (gnomAD). c.1946G>A has been observed in individuals affected with clinical features of MYO7A-Related Disorders. These data indicate that the variant may be associated with disease. To our knowledge, no experimental evidence demonstrating an impact on protein function has been reported. The following publications have been ascertained in the context of this evaluation (PMID: 34416374, 38224868). ClinVar contains an entry for this variant (Variation ID: 1185144). Based on the evidence outlined above, the variant was classified as VUS-possibly pathogenic.

Labcorp Genetics (formerly Invitae), Labcorp
Classification: Uncertain significance. Last evaluated: 2024-05-21. Review status: criteria provided, single submitter. Criteria: Invitae Variant Classification Sherloc (09022015). Collection method: clinical testing. Allele origin: germline.
Comment: This sequence change replaces arginine, which is basic and polar, with glutamine, which is neutral and polar, at codon 649 of the MYO7A protein (p.Arg649Gln). The frequency data for this variant in the population databases is considered unreliable, as metrics indicate poor data quality at this position in the gnomAD database. This missense change has been observed in individual(s) with autosomal recessive deafness (PMID: 34416374; Invitae). In at least one individual the data is consistent with being in trans (on the opposite chromosome) from a pathogenic variant. It has also been observed to segregate with disease in related individuals. ClinVar contains an entry for this variant (Variation ID: 1185144). Advanced modeling of protein sequence and biophysical properties (such as structural, functional, and spatial information, amino acid conservation, physicochemical variation, residue mobility, and thermodynamic stability) has been performed at Invitae for this missense variant, however the output from this modeling did not meet the statistical confidence thresholds required to predict the impact of this variant on MYO7A protein function. This variant disrupts the p.Arg649 amino acid residue in MYO7A. Other variant(s) that disrupt this residue have been observed in individuals with MYO7A-related conditions (PMID: 34416374), which suggests that this may be a clinically significant amino acid residue. In summary, the available evidence is currently insufficient to determine the role of this variant in disease. Therefore, it has been classified as a Variant of Uncertain Significance.

Clinical Genetics Service, Universitary Hospital 12 de Octubre
Classification: Likely pathogenic for Autosomal recessive nonsyndromic hearing loss 2. Review status: criteria provided, single submitter. Criteria: ACMG Guidelines, 2015. Collection method: clinical testing. Allele origin: germline. Affected: yes.

WangQJ Lab, Chinese People's Liberation Army General Hospital
Classification: Uncertain significance for Autosomal recessive nonsyndromic hearing loss 2. Last evaluated: 2021-07-01. Review status: no assertion criteria provided. Collection method: clinical testing. Allele origin: paternal. Affected: yes. Not counted in ClinVar's aggregate classification.

Literature cited by the submitters: PubMed 34416374 (cited by Women's Health and Genetics/Laboratory Corporation of America, LabCorp and Labcorp Genetics (formerly Invitae), Labcorp); PubMed 38224868 (cited by Women's Health and Genetics/Laboratory Corporation of America, LabCorp).

NM_000260.4(MYO7A):c.1946G>A (p.Arg649Gln)

Gene: MYO7A (myosin VIIA; plus strand). Cytogenetic location: 11q13.5.
Variant type: single nucleotide variant.
Coding change: c.1946G>A on transcript NM_000260.4 (MANE Select); coding-DNA position 1946, G replaced by A.
Protein change: p.Arg649Gln; replaces arginine 649 with glutamine.
Molecular consequence: missense variant.
Genome position (GRCh38, 1-based): chr11:77,174,766, G>A. VCF-style: chr11-77174766-G-A. GRCh37 (hg19) VCF-style: chr11-76885812-G-A.
Other names: c.1946G>A, p.Arg649Gln (NM_001127180.2); c.1913G>A, p.Arg638Gln (NM_001369365.1); c.1946G>A (NM_000260.3); short protein forms R638Q, R649Q.
Identifiers: ClinVar variation 1185144 (VCV001185144.7), dbSNP rs1308203959, ClinGen allele CA381939108.